The following is an entry in ClinVar:

ClinVar aggregate classification (germline): Pathogenic. Review status: criteria provided, multiple submitters, no conflicts (2 of 4 stars). 2 submissions from 2 submitters: Pathogenic (2). Last evaluated 2024-07-23.

Conditions:
Early-infantile DEE. Also called: Early infantile epileptic encephalopathy; Ohtahara syndrome; Early infantile epileptic encephalopathy with suppression bursts. Identifiers: Orphanet 1934, MedGen C0393706, MONDO:0800491.

Allele frequency attached by ClinVar (database versions not stated): gnomAD exomes below 0.00001.
gnomAD v4.1: 1 of 1,613,826 alleles (0.000062%); highest among the groups gnomAD compares: Admixed American, 0.0017%; no homozygotes.

Submissions (2):

Labcorp Genetics (formerly Invitae), Labcorp
Classification: Pathogenic for Early-infantile DEE. Last evaluated: 2024-07-23. Review status: criteria provided, single submitter. Criteria: Invitae Variant Classification Sherloc (09022015). Collection method: clinical testing. Allele origin: germline.
Comment: This sequence change creates a premature translational stop signal (p.Arg548*) in the SPTAN1 gene. It is expected to result in an absent or disrupted protein product. Loss-of-function variants in SPTAN1 are known to be pathogenic (PMID: 31332438, 33206935). This variant is present in population databases (no rsID available, gnomAD 0.003%). This variant has not been reported in the literature in individuals affected with SPTAN1-related conditions. ClinVar contains an entry for this variant (Variation ID: 2583070). For these reasons, this variant has been classified as Pathogenic.

CeGaT Center for Human Genetics Tuebingen
Classification: Pathogenic. Last evaluated: 2023-09-01. Review status: criteria provided, single submitter. Criteria: CeGaT Center For Human Genetics Tuebingen Variant Classification Criteria Version 2. Collection method: clinical testing. Allele origin: germline. Affected: yes. Observed: 1 variant allele.
Comment: SPTAN1: PVS1, PM2

Literature cited by the submitters: PubMed 31332438 (cited by Labcorp Genetics (formerly Invitae), Labcorp); PubMed 33206935 (cited by Labcorp Genetics (formerly Invitae), Labcorp).

NM_001130438.3(SPTAN1):c.1642C>T (p.Arg548Ter)

Gene: SPTAN1 (spectrin alpha, non-erythrocytic 1; plus strand). Cytogenetic location: 9q34.11.
Variant type: single nucleotide variant.
Coding change: c.1642C>T on transcript NM_001130438.3 (MANE Select); coding-DNA position 1642, C replaced by T.
Protein change: p.Arg548Ter; replaces arginine 548 with a stop codon.
Molecular consequence: nonsense.
Genome position (GRCh38, 1-based): chr9:128,582,548, C>T. VCF-style: chr9-128582548-C-T. GRCh37 (hg19) VCF-style: chr9-131344827-C-T.
Other names: c.1642C>T, p.Arg548Ter (NM_001195532.2, NM_001363759.2, NM_001363765.2 and 5 more transcripts); c.1678C>T, p.Arg560Ter (NM_001375312.2, NM_001375318.1); short protein forms R548*, R560*.
Identifiers: ClinVar variation 2583070 (VCV002583070.28), dbSNP rs1352409938, ClinGen allele CA375054865.